The following is an entry in ClinVar:

NM_001190274.2(FBXO11):c.2474C>G (p.Ala825Gly)

Genes: FBXO11 (F-box protein 11; minus strand), MSH6 (mutS homolog 6; plus strand). Cytogenetic location: 2p16.3.
Variant type: single nucleotide variant.
Coding change: c.2474C>G on transcript NM_001190274.2 (MANE Select); coding-DNA position 2474, C replaced by G.
Protein change: p.Ala825Gly; replaces alanine 825 with glycine.
Molecular consequence: missense variant.
Genome position (GRCh38, 1-based): chr2:47,809,239, G>C on the plus strand (C>G on the coding strand, the complement: FBXO11 is on the minus strand). VCF-style: chr2-47809239-G-C. GRCh37 (hg19) VCF-style: chr2-48036378-G-C.
Other names: c.2222C>G, p.Ala741Gly (NM_001374325.1, NM_025133.4); short protein forms A741G, A825G.
Identifiers: ClinVar variation 1722814 (VCV001722814.4), dbSNP rs2530955358, ClinGen allele CA346762540.

ClinVar aggregate classification (germline): Uncertain significance. Review status: criteria provided, multiple submitters, no conflicts (2 of 4 stars). 2 submissions from 2 submitters: Uncertain significance (2). Last evaluated 2025-02-26.

Submissions (2):

Labcorp Genetics (formerly Invitae), Labcorp
Classification: Uncertain significance. Last evaluated: 2025-02-26. Review status: criteria provided, single submitter. Criteria: Invitae Variant Classification Sherloc (09022015). Collection method: clinical testing. Allele origin: germline.
Comment: This sequence change replaces alanine, which is neutral and non-polar, with glycine, which is neutral and non-polar, at codon 825 of the FBXO11 protein (p.Ala825Gly). This variant is not present in population databases (gnomAD no frequency). This variant has not been reported in the literature in individuals affected with FBXO11-related conditions. ClinVar contains an entry for this variant (Variation ID: 1722814). An algorithm developed to predict the effect of missense changes on protein structure and function (PolyPhen-2) suggests that this variant is likely to be disruptive. In summary, the available evidence is currently insufficient to determine the role of this variant in disease. Therefore, it has been classified as a Variant of Uncertain Significance.

GeneDx
Classification: Uncertain significance. Last evaluated: 2024-09-20. Review status: criteria provided, single submitter. Criteria: GeneDx Variant Classification Process June 2021. Collection method: clinical testing. Allele origin: germline. Affected: yes.
Comment: Not observed at significant frequency in large population cohorts (gnomAD); In silico analysis indicates that this missense variant does not alter protein structure/function; Has not been previously published as pathogenic or benign to our knowledge